The following is an entry in ClinVar:

NM_001385012.1(NBEA):c.3001C>T (p.Arg1001Ter)

Gene: NBEA (neurobeachin; plus strand). Cytogenetic location: 13q13.3.
Variant type: single nucleotide variant.
Coding change: c.3001C>T on transcript NM_001385012.1 (MANE Select); coding-DNA position 3001, C replaced by T.
Protein change: p.Arg1001Ter; replaces arginine 1001 with a stop codon.
Molecular consequence: nonsense.
Genome position (GRCh38, 1-based): chr13:35,159,172, C>T. VCF-style: chr13-35159172-C-T. GRCh37 (hg19) VCF-style: chr13-35733309-C-T.
Other names: c.3001C>T, p.Arg1001Ter (NM_001379245.1, NM_015678.5); short protein forms R1001*.
Identifiers: ClinVar variation 2572436 (VCV002572436.1), dbSNP rs779764549, ClinGen allele CA387836513.

ClinVar aggregate classification (germline): Likely pathogenic (1 of 4 stars; one submission).

Conditions:
Neurodevelopmental disorder with or without early-onset generalized epilepsy. Identifiers: MedGen C5436914, MONDO:0030930, OMIM 619157.

Submission:

3billion
Classification: Likely pathogenic for Neurodevelopmental disorder with or without early-onset generalized epilepsy. Review status: criteria provided, single submitter. Criteria: ACMG Guidelines, 2015. Collection method: clinical testing. Allele origin: unknown. Affected: yes. Observed: 1 heterozygote.
Comment: The variant is not observed in the gnomAD v2.1.1 dataset. The variant is predicted to result in a loss or disruption of normal protein function through nonsense-mediated decay (NMD) or protein truncation. Multiple pathogenic variants are reported downstream of the variant. Therefore, this variant is classified as Likely pathogenic according to the recommendation of ACMG/AMP guideline.